The following is an entry in ClinVar:

ClinVar aggregate classification (germline): Uncertain significance (1 of 4 stars; one submission).

gnomAD v4.1: 2 of 1,613,578 alleles (0.00012%); highest among the groups gnomAD compares: Non-Finnish European, 0.00017%; no homozygotes.

Submission:

Women's Health and Genetics/Laboratory Corporation of America, LabCorp
Classification: Uncertain significance. Last evaluated: 2025-09-16. Review status: criteria provided, single submitter. Criteria: LabCorp Variant Classification Summary - May 2015. Collection method: clinical testing. Allele origin: germline.
Comment: Variant summary: PAH c.1037G>T (p.Gly346Val) results in a non-conservative amino acid change in the encoded protein sequence. Algorithms developed to predict the effect of missense changes on protein structure and function all suggest that this variant is likely to be disruptive. The variant was absent in 251238 control chromosomes. The available data on variant occurrences in the general population are insufficient to allow any conclusion about variant significance. To our knowledge, no occurrence of c.1037G>T in individuals affected with PAH-related conditions and no experimental evidence demonstrating its impact on protein function have been reported. No submitters have cited clinical-significance assessments for this variant to ClinVar. Based on the evidence outlined above, the variant was classified as uncertain significance.

NM_000277.3(PAH):c.1037G>T (p.Gly346Val)

Gene: PAH (phenylalanine hydroxylase; minus strand). Cytogenetic location: 12q23.2.
Variant type: single nucleotide variant.
Coding change: c.1037G>T on transcript NM_000277.3 (MANE Select); coding-DNA position 1037, G replaced by T.
Protein change: p.Gly346Val; replaces glycine 346 with valine.
Molecular consequence: missense variant.
Genome position (GRCh38, 1-based): chr12:102,844,364, C>A on the plus strand (G>T on the coding strand, the complement: PAH is on the minus strand). VCF-style: chr12-102844364-C-A. GRCh37 (hg19) VCF-style: chr12-103238142-C-A.
Other names: c.1037G>T, p.Gly346Val (NM_001354304.2); short protein forms G346V.
Identifiers: ClinVar variation 4535496 (VCV004535496.1).